The following is an entry in ClinVar:

NM_001166271.3(SPATA13):c.266G>C (p.Arg89Pro)

Gene: SPATA13 (spermatogenesis associated 13; plus strand). Cytogenetic location: 13q12.12.
Variant type: single nucleotide variant.
Coding change: c.266G>C on transcript NM_001166271.3 (MANE Select); coding-DNA position 266, G replaced by C.
Protein change: p.Arg89Pro; replaces arginine 89 with proline.
Molecular consequence: missense variant. On other transcripts: intron variant (1).
Genome position (GRCh38, 1-based): chr13:24,223,195, G>C. VCF-style: chr13-24223195-G-C. GRCh37 (hg19) VCF-style: chr13-24797333-G-C.
Other names: c.452G>C, p.Arg151Pro (NM_001286792.2); c.-222-26282G>C (NM_153023.4); short protein forms R151P, R89P.
Identifiers: ClinVar variation 3035879 (VCV003035879.2), dbSNP rs1220545, ClinGen allele CA6913837.

ClinVar aggregate classification (germline): Benign (0 of 4 stars; one submission).

Conditions:
SPATA13-related disorder. Also called: SPATA13-related condition.

Allele frequency attached by ClinVar (database versions not stated): ExAC 0.00165; 1000 Genomes Project 0.00300; 1000 Genomes Project 30x 0.00375; ESP Exome Variant Server 0.00548.
gnomAD v4.1: 1,067 of 1,551,636 alleles (0.069%); highest among the groups gnomAD compares: African/African-American, 1.3%; 7 homozygotes.

Submission:

PreventionGenetics, part of Exact Sciences
Classification: Benign for SPATA13-related condition. Last evaluated: 2019-08-12. Review status: no assertion criteria provided. Collection method: clinical testing. Allele origin: germline.
Comment: This variant is classified as benign based on ACMG/AMP sequence variant interpretation guidelines (Richards et al. 2015 PMID: 25741868, with internal and published modifications).